The following is an entry in ClinVar:

NM_007194.4(CHEK2):c.1501G>A (p.Glu501Lys)

Gene: CHEK2 (checkpoint kinase 2; minus strand). Cytogenetic location: 22q12.1.
Variant type: single nucleotide variant.
Coding change: c.1501G>A on transcript NM_007194.4 (MANE Select); coding-DNA position 1501, G replaced by A.
Protein change: p.Glu501Lys; replaces glutamic acid 501 with lysine.
Molecular consequence: missense variant.
Genome position (GRCh38, 1-based): chr22:28,689,176, C>T on the plus strand (G>A on the coding strand, the complement: CHEK2 is on the minus strand). VCF-style: chr22-28689176-C-T. GRCh37 (hg19) VCF-style: chr22-29085164-C-T.
Other names: p.E501K:GAG>AAG; c.1630G>A, p.Glu544Lys (NM_001005735.3); c.838G>A, p.Glu280Lys (NM_001257387.3); c.1300G>A, p.Glu434Lys (NM_001349956.3); c.1414G>A, p.Glu472Lys (NM_145862.3); short protein forms E501K, E280K, E434K, E472K, E544K.
Identifiers: ClinVar variation 182440 (VCV000182440.30), dbSNP rs17883172, ClinGen allele CA299092.
Genomic context (GRCh38, chr22:28,689,176, plus strand): 5'-TCATCAGGAATACGAATACCTGGGCTAGAACCTGGGGTAGAGCTGTGGATTCATTTTCCT[C>T]AGACAGAAGATCTTGAAACTTTCTCTTCATGTCTTCATCCTGTGAGGGAATTAAAAACAT-3'
Protein context (NP_009125.1, residues 491-511): MKRKFQDLLS[Glu501Lys]ENESTALPQV

ClinVar aggregate classification (germline): Conflicting classifications of pathogenicity. Review status: criteria provided, conflicting classifications (1 of 4 stars). 10 submissions from 10 submitters: Uncertain significance (2); Benign (1); Likely benign (5). 2 of the submissions do not count toward it. Last evaluated 2026-01-30.

Conditions:
Hereditary cancer-predisposing syndrome. Also called: Tumor predisposition; Hereditary Cancer Syndrome; Hereditary neoplastic syndrome; Neoplastic Syndromes, Hereditary. Identifiers: Orphanet 140162, MedGen C0027672, MeSH D009386, MONDO:0015356.
Familial cancer of breast. Also called: BREAST CANCER, FAMILIAL; Hereditary breast cancer; hereditary breast carcinoma. Identifiers: Orphanet 227535, MedGen C0346153, MONDO:0016419, OMIM 114480. Disease mechanism: loss of function.
Malignant tumor of breast. Also called: Malignant breast neoplasm; Cancer breast. Identifiers: MedGen C0006142, MONDO:0007254. Disease mechanism: loss of function.

Allele frequency attached by ClinVar (database versions not stated): gnomAD 0.00001 and 0.00007; TOPMed 0.00003; gnomAD exomes 0.00023 and 0.00048; 1000 Genomes Project 30x 0.00047; ExAC 0.00056; 1000 Genomes Project 0.00060.
gnomAD v4.1: 342 of 1,595,144 alleles (0.021%); highest among the groups gnomAD compares: South Asian, 0.36%; 3 homozygotes.

Submissions (10):

Labcorp Genetics (formerly Invitae), Labcorp
Classification: Likely benign for Familial cancer of breast. Last evaluated: 2026-01-30. Review status: criteria provided, single submitter. Criteria: Invitae Variant Classification Sherloc (09022015). Collection method: clinical testing. Allele origin: germline.

GeneDx
Classification: Uncertain significance. Last evaluated: 2024-12-26. Review status: criteria provided, single submitter. Criteria: GeneDx Variant Classification Process June 2021. Collection method: clinical testing. Allele origin: germline. Affected: yes.
Comment: Published functional studies suggest a neutral effect: demonstrates auto-phosphorylation and kinase activity comparable to wild type in yeast and human-cell assays (PMID: 30851065, 37449874); In silico analysis indicates that this missense variant does not alter protein structure/function; Also known as c.1630G>A, p.Glu544Lys; This variant is associated with the following publications: (PMID: 23806170, 27527004, 27498913, 31398194, 22419737, 19782031, 37277882, 37449874, 30851065)

Quest Diagnostics Nichols Institute San Juan Capistrano
Classification: Benign. Last evaluated: 2024-01-15. Review status: criteria provided, single submitter. Criteria: Quest Diagnostics criteria. Collection method: clinical testing. Allele origin: unknown.

Myriad Genetics, Inc.
Classification: Uncertain significance for Familial cancer of breast. Last evaluated: 2023-03-08. Review status: criteria provided, single submitter. Criteria: Myriad Autosomal Dominant, Autosomal Recessive and X-Linked Classification Criteria (2023). Collection method: clinical testing. Allele origin: unknown.
Comment: This variant is classified as a variant of uncertain significance as there is insufficient evidence to determine its impact on protein function and/or cancer risk.

Women's Health and Genetics/Laboratory Corporation of America, LabCorp
Classification: Likely benign. Last evaluated: 2022-05-08. Review status: criteria provided, single submitter. Criteria: LabCorp Variant Classification Summary - May 2015. Collection method: clinical testing. Allele origin: germline.

Ambry Genetics
Classification: Likely benign for Hereditary cancer-predisposing syndrome. Last evaluated: 2021-09-13. Review status: criteria provided, single submitter. Criteria: Ambry Variant Classification Scheme 2023. Collection method: clinical testing. Allele origin: germline.

Sema4
Classification: Likely benign for Hereditary cancer-predisposing syndrome. Last evaluated: 2020-10-12. Review status: criteria provided, single submitter. Criteria: Sema4 Curation Guidelines. Collection method: curation. Allele origin: germline.

Color Diagnostics, LLC DBA Color Health
Classification: Likely benign for Hereditary cancer-predisposing syndrome. Last evaluated: 2015-04-24. Review status: criteria provided, single submitter. Criteria: ACMG Guidelines, 2015. Collection method: clinical testing. Allele origin: germline.

Counsyl
Classification: Uncertain significance for Familial cancer of breast. Last evaluated: 2016-05-03. Review status: no assertion criteria provided. Collection method: clinical testing. Allele origin: unknown. Not counted in ClinVar's aggregate classification.

Department of Pathology and Laboratory Medicine, Sinai Health System
Classification: Uncertain significance for Malignant tumor of breast. Review status: no assertion criteria provided. Collection method: clinical testing. Allele origin: unknown. Affected: yes. Study: The Canadian Open Genetics Repository (COGR). Not counted in ClinVar's aggregate classification.
Comment: The CHEK2 p.Glu501Lys variant was identified in 4 of 290 proband chromosomes (frequency: 0.014) from individuals or families with breast and / or ovarian cancer (Rashid 2013). The variant was also identified in the following databases: dbSNP (ID: rs17883172) as â€šÃ„ÃºWith other alleleâ€šÃ„Ã¹, ClinVar (4x, as likely benign by Invitae and as uncertain significance by GeneDx, Ambry Genetics and Counsyl), Clinvitae (3x by Invitae and ClinVar), Zhejiang Colon Cancer Database (1x, "reported as pathogenic"). The variant was not identified in Cosmic, MutDB, databases. The variant was identified in control databases in 114 of 229076 chromosomes at a frequency of 0.0005 in the following populations: African in 2 of 13836 chromosomes (freq. 0.00014), other in 2 of 5292 chromosomes (freq. 0.0004), South Asian in 110 of 30506 chromosomes (freq. 0.004), increasing the likelihood that this may be a low frequency variant in certain populations of origin (Genome Aggregation Consortium Feb 27, 2017). The p.Glu501 residue is not conserved in mammals and computational analyses (PolyPhen-2, SIFT, AlignGVGD, BLOSUM, MutationTaster) do not suggest a high likelihood of impact to the protein; however, this information is not predictive enough to rule out pathogenicity. The variant occurs outside of the splicing consensus sequence and 1 of 5 in silico or computational prediction software programs (SpliceSiteFinder, MaxEntScan, NNSPLICE, GeneSplicer, HumanSpliceFinder) predict a greater than 10% difference in splicing; this is not very predictive of pathogenicity. In summary, based on the above information the clinical significance of this variant cannot be determined with certainty at this time. This variant is classified as a variant of uncertain significance.

Literature cited by the submitters: PubMed 23806170 (cited by 4 submitters); PubMed 30851065 (cited by 3 submitters); PubMed 33471991 (cited by Quest Diagnostics Nichols Institute San Juan Capistrano); PubMed 37277882 (cited by Quest Diagnostics Nichols Institute San Juan Capistrano); PubMed 37449874 (cited by Quest Diagnostics Nichols Institute San Juan Capistrano).